The following is an entry in ClinVar:

NM_198578.4(LRRK2):c.1825C>G (p.Leu609Val)

Gene: LRRK2 (leucine rich repeat kinase 2; plus strand). Cytogenetic location: 12q12.
Variant type: single nucleotide variant.
Coding change: c.1825C>G on transcript NM_198578.4 (MANE Select); coding-DNA position 1825, C replaced by G.
Protein change: p.Leu609Val; replaces leucine 609 with valine.
Molecular consequence: missense variant.
Genome position (GRCh38, 1-based): chr12:40,274,877, C>G. VCF-style: chr12-40274877-C-G. GRCh37 (hg19) VCF-style: chr12-40668679-C-G.
Other names: short protein forms L609V.
Identifiers: ClinVar variation 1390629 (VCV001390629.6), dbSNP rs142717718, ClinGen allele CA6513471.

ClinVar aggregate classification (germline): Uncertain significance (1 of 4 stars; one submission).

Conditions:
Autosomal dominant Parkinson disease 8. Also called: LRRK2-Related Parkinson Disease; Parkinson disease 8; Parkinson disease 8, susceptibility to. Identifiers: Orphanet 411602, MedGen C1846862, MONDO:0011764, OMIM 607060.

Allele frequency attached by ClinVar (database versions not stated): TOPMed 0.00002; gnomAD 0.00003; gnomAD exomes 0.00005; ExAC 0.00006; ESP Exome Variant Server 0.00008.
gnomAD v4.1: 60 of 1,611,424 alleles (0.0037%); highest among the groups gnomAD compares: Non-Finnish European, 0.005%; no homozygotes.

Submission:

Labcorp Genetics (formerly Invitae), Labcorp
Classification: Uncertain significance for Autosomal dominant Parkinson disease 8. Last evaluated: 2023-07-19. Review status: criteria provided, single submitter. Criteria: Invitae Variant Classification Sherloc (09022015). Collection method: clinical testing. Allele origin: germline.
Comment: ClinVar contains an entry for this variant (Variation ID: 1390629). Advanced modeling of protein sequence and biophysical properties (such as structural, functional, and spatial information, amino acid conservation, physicochemical variation, residue mobility, and thermodynamic stability) has been performed at Invitae for this missense variant, however the output from this modeling did not meet the statistical confidence thresholds required to predict the impact of this variant on LRRK2 protein function. In summary, the available evidence is currently insufficient to determine the role of this variant in disease. Therefore, it has been classified as a Variant of Uncertain Significance. This variant has not been reported in the literature in individuals affected with LRRK2-related conditions. This sequence change replaces leucine, which is neutral and non-polar, with valine, which is neutral and non-polar, at codon 609 of the LRRK2 protein (p.Leu609Val). This variant is present in population databases (rs142717718, gnomAD 0.01%).